The following is an entry in ClinVar:

ClinVar aggregate classification (germline): Benign. Review status: criteria provided, multiple submitters, no conflicts (2 of 4 stars). 4 submissions from 4 submitters: Benign (3). 1 of the submissions does not count toward it. Last evaluated 2025-11-02.

Conditions:
ATP2B4-related disorder. Also called: ATP2B4-related condition.

Allele frequency attached by ClinVar (database versions not stated): gnomAD exomes 0.00055 and 0.00088; ExAC 0.00114; gnomAD 0.00227 and 0.00240; ESP Exome Variant Server 0.00231; 1000 Genomes Project 30x 0.00250; TOPMed 0.00261; 1000 Genomes Project 0.00300.

Submissions (9):

Labcorp Genetics (formerly Invitae), Labcorp
Classification: Benign. Last evaluated: 2025-11-02. Review status: criteria provided, single submitter. Criteria: Invitae Variant Classification Sherloc (09022015). Collection method: clinical testing. Allele origin: germline.

CeGaT Center for Human Genetics Tuebingen
Classification: Benign. Last evaluated: 2022-08-01. Review status: criteria provided, single submitter. Criteria: CeGaT Center For Human Genetics Tuebingen Variant Classification Criteria Version 2. Collection method: clinical testing. Allele origin: germline. Affected: yes. Observed: 1 variant allele.
Comment: ATP2B4: BS1, BS2

Breakthrough Genomics
Classification: Benign. Review status: criteria provided, single submitter. Criteria: ACMG Guidelines, 2015. Collection method: not provided. Allele origin: germline. Inheritance: Unknown mechanism. Affected: yes.

PreventionGenetics, part of Exact Sciences
Classification: Likely benign for ATP2B4-related condition. Last evaluated: 2019-07-23. Review status: no assertion criteria provided. Collection method: clinical testing. Allele origin: germline. Not counted in ClinVar's aggregate classification.
Comment: This variant is classified as likely benign based on ACMG/AMP sequence variant interpretation guidelines (Richards et al. 2015 PMID: 25741868, with internal and published modifications).

Dr. Peter K. Rogan Lab, Western University
No classification provided (evidence only). Condition: Thyroid cancer, nonmedullary, 1. Review status: no classification provided. Collection method: in vitro. Allele origin: not applicable. Functional consequence: skipped exon. Not counted in ClinVar's aggregate classification.

Dr. Peter K. Rogan Lab, Western University
No classification provided (evidence only). Condition: Uterine corpus endometrial carcinoma. Review status: no classification provided. Collection method: in vitro. Allele origin: not applicable. Functional consequence: skipped exon. Not counted in ClinVar's aggregate classification.

Dr. Peter K. Rogan Lab, Western University
No classification provided (evidence only). Condition: Ovarian serous cystadenocarcinoma. Review status: no classification provided. Collection method: in vitro. Allele origin: not applicable. Functional consequence: retained intron. Not counted in ClinVar's aggregate classification.

Dr. Peter K. Rogan Lab, Western University
No classification provided (evidence only). Condition: Gastric cancer. Review status: no classification provided. Collection method: in vitro. Allele origin: not applicable. Functional consequence: retained intron. Not counted in ClinVar's aggregate classification.

Dr. Peter K. Rogan Lab, Western University
No classification provided (evidence only). Condition: Malignant tumor of esophagus. Review status: no classification provided. Collection method: in vitro. Allele origin: not applicable. Functional consequence: retained intron. Not counted in ClinVar's aggregate classification.

NM_001684.5(ATP2B4):c.1122G>A (p.Thr374=)

Gene: ATP2B4 (ATPase plasma membrane Ca2+ transporting 4; plus strand). Cytogenetic location: 1q32.1.
Variant type: single nucleotide variant.
Coding change: c.1122G>A on transcript NM_001684.5 (MANE Select); coding-DNA position 1122, G replaced by A.
Protein change: p.Thr374=; no amino-acid change (threonine 374 retained).
Molecular consequence: synonymous variant.
Genome position (GRCh38, 1-based): chr1:203,707,031, G>A. VCF-style: chr1-203707031-G-A. GRCh37 (hg19) VCF-style: chr1-203676159-G-A.
Other names: c.1122G>A, p.Thr374= (NM_001001396.3, NM_001365783.2, NM_001365784.2); c.1122G>A (NM_001001396.2).
Identifiers: ClinVar variation 1598801 (VCV001598801.36), dbSNP rs2229564, ClinGen allele CA1341555.